The following is an entry in ClinVar:

NM_020988.3(GNAO1):c.817G>T (p.Asp273Tyr)

Gene: GNAO1 (G protein subunit alpha o1; plus strand). Cytogenetic location: 16q13.
Variant type: single nucleotide variant.
Coding change: c.817G>T on transcript NM_020988.3 (MANE Select); coding-DNA position 817, G replaced by T.
Protein change: p.Asp273Tyr; replaces aspartic acid 273 with tyrosine.
Molecular consequence: missense variant.
Genome position (GRCh38, 1-based): chr16:56,351,477, G>T. VCF-style: chr16-56351477-G-T. GRCh37 (hg19) VCF-style: chr16-56385389-G-T.
Other names: short protein forms D273Y.
Identifiers: ClinVar variation 1012174 (VCV001012174.4), dbSNP rs2143699701, ClinGen allele CA395954800.

ClinVar aggregate classification (germline): Likely pathogenic. Review status: criteria provided, single submitter (1 of 4 stars). 2 submissions from 2 submitters: Likely pathogenic (1). 1 of the submissions does not count toward it. Last evaluated 2025-12-31.

Conditions:
Developmental and epileptic encephalopathy, 17 (DEE17). Also called: Early infantile epileptic encephalopathy 17. Identifiers: Orphanet 1934, MedGen C3809606, MONDO:0014199, OMIM 615473.
Neurodevelopmental disorder with involuntary movements (NEDIM). Identifiers: Orphanet 592564, MedGen C4479569, MONDO:0060491, OMIM 617493.
GNAO1-related developmental delay-seizures-movement disorder spectrum. Identifiers: MedGen C5680303, MONDO:0035660.

Submissions (2):

Variantyx, Inc.
Classification: Likely pathogenic for Developmental and epileptic encephalopathy, 17. Last evaluated: 2025-12-31. Review status: criteria provided, single submitter. Criteria: Variantyx Assertion Criteria 2022. Collection method: clinical testing. Allele origin: de novo. Inheritance: Autosomal dominant inheritance. Affected: yes.
Comment: This is a nonsynonymous variant in the GNAO1 gene (OMIM: 139311). Pathogenic variants in this gene have been associated with autosomal dominant developmental and epileptic encephalopathy 17. This variant has been reported to occur de novo in individuals in the published literature; however, the possibility of parental germline mosaicism cannot be excluded (PMID: 34122306) (PS2_Supporting). The alteration lies within a known hotspot for pathogenic variants or a well-established critical functional domain of the GNAO1 protein (PMID: 28252636, 25262651, 34122306) (PM1), and multiple computational algorithms predict a deleterious effect for this variant (REVEL score: 0.913) (PP3). This variant is absent from control populations (PM2). Based on the current evidence, this variant is classified as likely pathogenic for autosomal dominant developmental and epileptic encephalopathy 17.

Pediatric Department, Peking University First Hospital
Classification: Likely pathogenic for Developmental and epileptic encephalopathy, 17; Neurodevelopmental disorder with involuntary movements. Last evaluated: 2021-02-03. Review status: no assertion criteria provided. Collection method: clinical testing. Allele origin: de novo. Affected: yes. Not counted in ClinVar's aggregate classification.

Literature cited by the submitters: PubMed 34122306 (cited by Variantyx, Inc.); PubMed 28252636 (cited by Variantyx, Inc.); PubMed 25262651 (cited by Variantyx, Inc.).